The following is an entry in ClinVar:

ClinVar aggregate classification (germline): Likely benign (1 of 4 stars; one submission).

Allele frequency attached by ClinVar (database versions not stated): gnomAD below 0.00001 and 0.00002; gnomAD exomes 0.00003 and 0.00002; ExAC 0.00003; TOPMed below 0.00001.
gnomAD v4.1: 27 of 1,609,048 alleles (0.0017%); highest among the groups gnomAD compares: South Asian, 0.029%; no homozygotes.

Submission:

GeneDx
Classification: Likely benign. Last evaluated: 2016-11-10. Review status: criteria provided, single submitter. Criteria: GeneDx Variant Classification (06012015). Collection method: clinical testing. Allele origin: germline. Affected: yes.
Comment: This variant is considered likely benign or benign based on one or more of the following criteria: it is a conservative change, it occurs at a poorly conserved position in the protein, it is predicted to be benign by multiple in silico algorithms, and/or has population frequency not consistent with disease.

NM_015971.4(MRPS7):c.27C>T (p.Ala9=)

Genes: GGA3 (golgi associated, gamma adaptin ear containing, ARF binding protein 3; minus strand), MRPS7 (mitochondrial ribosomal protein S7; plus strand). Cytogenetic location: 17q25.1.
Variant type: single nucleotide variant.
Coding change: c.27C>T on transcript NM_015971.4 (MANE Select); coding-DNA position 27, C replaced by T.
Protein change: p.Ala9=; no amino-acid change (alanine 9 retained).
Molecular consequence: synonymous variant. On other transcripts: intron variant (2).
Genome position (GRCh38, 1-based): chr17:75,261,927, C>T. VCF-style: chr17-75261927-C-T. GRCh37 (hg19) VCF-style: chr17-73258008-C-T.
Other names: c.-228+355G>A (NM_001172704.3); c.-177+355G>A (NM_001172703.3).
Identifiers: ClinVar variation 390699 (VCV000390699.3), dbSNP rs777267916, ClinGen allele CA8760167.